The following continues an entry in ClinVar:

NM_000059.4(BRCA2):c.4037_4038del (p.Thr1346fs)

Gene: BRCA2. ClinVar aggregate classification (germline): Pathogenic. Pathogenic (1).

Submissions 11 to 18 of 18:

Laboratory for Molecular Medicine, Mass General Brigham Personalized Medicine
Classification: Pathogenic for Hereditary breast ovarian cancer syndrome. Last evaluated: 2020-06-19. Review status: criteria provided, single submitter. Criteria: ACMG Guidelines, 2015. Collection method: clinical testing. Allele origin: germline. Not counted in ClinVar's aggregate classification.
Comment: The p.Thr1346SerfsX5 variant in BRCA2 has been identified in at least 11 individuals with BRCA2-related cancers (Johannsson 1999, De Leon Matsuda 2002,Lubinski 2014, Thirthagiri 2008, Li 2018, Wen 2018, Ryu 2019). This variant has been identified in 1/65954 chromosomes by gnomAD. This variant is predicted to cause a frameshift, which alters the protein’s amino acid sequence beginning at position 1346 and leads to a premature termination codon 5 amino acids downstream. This alteration is then predicted to lead to a truncated or absent protein. Loss of function of the BRCA2 gene is an established disease mechanism in autosomal dominant hereditary breast and ovarian cancer (HBOC). This variant was classified as pathogenic on April 22, 2016 by the ClinGen-approved ENIGMA expert panel (ClinVar SCV000282386.1). In summary, this variant meets criteria to be classified as pathogenic for autosomal dominant HBOC. ACMG/AMP Criteria applied: PVS1; PM2; PS4_Moderate.

Consortium of Investigators of Modifiers of BRCA1/2 (CIMBA), c/o University of Cambridge
Classification: Pathogenic for Breast-ovarian cancer, familial, susceptibility to, 2. Last evaluated: 2015-10-02. Review status: criteria provided, single submitter. Criteria: CIMBA Mutation Classification guidelines May 2016. Collection method: clinical testing. Allele origin: germline. Not counted in ClinVar's aggregate classification.

deCODE genetics, Amgen
Classification: Likely pathogenic for Breast-ovarian cancer, familial, susceptibility to, 2. Last evaluated: 2023-07-21. Review status: no assertion criteria provided. Collection method: research. Allele origin: germline. Affected: yes. Observed: 1 variant allele. Not counted in ClinVar's aggregate classification.
Comment: The variant NM_000059.4:c.4037_4038del (chr13:32338391) in BRCA2 was detected in 1 heterozygote out of 58K WGS Icelanders (MAF= 0,001%). This variant has been reported in ClinVar previously as pathogenic. Based on ACMG criteria (PVS1, PM2) this variant classifies as likely pathogenic.

Center of Medical Genetics and Primary Health Care
Classification: Pathogenic for Familial breast cancer. Last evaluated: 2020-04-08. Review status: no assertion criteria provided. Collection method: research. Allele origin: germline. Affected: yes. Observed: 1 heterozygote. Not counted in ClinVar's aggregate classification.
Comment: ACMG Guidelines 2015 criteria The BRCA2 variant p.Thr1346Serfs is a known pathogenic variant in exon 11 in a non-functional domain just before the BRCA2_REPEAT (F1421-1454P aa) domain, which, with other 39 aa repeats participates in RAD51 binding (a key protein in DNA recombinational repair) and confers resistance to methyl methanesulphonate treatment. This frameshift variant disrupts the function of the downstream domains which is an established disease mechanism in hereditary breast and ovarian cancer (PVS1 Pathogenic Very Strong). This variant is in a mutation hotspot region of 21 pathogenic variants (source, ClinVar) (PM1 Pathogenic Moderate). This variant is not found in GnomAD exomes neither in GnomAD genomes (PM2 Pathogenic Moderate). The variant has been classified as pathogenic by the ClinGen-approved ENIGMA expert panel (ClinVar SCV000282386.1) (PP5 Pathogenic Supporting). Therefore, this variant was classified as a Pathogenic.

BRCAlab, Lund University
Classification: Pathogenic for Breast-ovarian cancer, familial, susceptibility to, 2. Last evaluated: 2020-03-02. Review status: no assertion criteria provided. Collection method: clinical testing. Allele origin: germline. Affected: yes. Not counted in ClinVar's aggregate classification.

Counsyl
Classification: Pathogenic for Breast-ovarian cancer, familial, susceptibility to, 2. Last evaluated: 2016-08-03. Review status: no assertion criteria provided. Collection method: clinical testing. Allele origin: unknown. Not counted in ClinVar's aggregate classification.

Sharing Clinical Reports Project (SCRP)
Classification: Pathogenic for Breast-ovarian cancer, familial 2. Last evaluated: 2013-08-01. Review status: no assertion criteria provided. Collection method: clinical testing. Allele origin: germline. Not counted in ClinVar's aggregate classification.

Breast Cancer Information Core (BIC) (BRCA2)
Classification: Pathogenic for Breast-ovarian cancer, familial 2. Last evaluated: 2002-05-29. Review status: no assertion criteria provided. Collection method: clinical testing. Allele origin: germline. Affected: yes. Observed: 5 variant alleles. Not counted in ClinVar's aggregate classification.

Literature cited by the submitters: PubMed 20104584 (cited by Labcorp Genetics (formerly Invitae), Labcorp); PubMed 10644434 (cited by 6 submitters); PubMed 11920621 (cited by 7 submitters); PubMed 28993434 (cited by 5 submitters); PubMed 30078507 (cited by 6 submitters); PubMed 30350268 (cited by 4 submitters); PubMed 32341426 (cited by 3 submitters); PubMed 33558524 (cited by 3 submitters); PubMed 10615237 (cited by 3 submitters); PubMed 15131399 (cited by 3 submitters); PubMed 17591843 (cited by 3 submitters); PubMed 18627636 (cited by 6 submitters); PubMed 24578176 (cited by Ambry Genetics and Laboratory for Molecular Medicine, Mass General Brigham Personalized Medicine); PubMed 26187060 (cited by 3 submitters).